The following is an entry in ClinVar:

ClinVar aggregate classification (germline): Uncertain significance. Review status: criteria provided, multiple submitters, no conflicts (2 of 4 stars). 3 submissions from 3 submitters: Uncertain significance (3). Last evaluated 2026-01-19.

Allele frequency attached by ClinVar (database versions not stated): TOPMed 0.00001; gnomAD exomes 0.00002 and 0.00003; ExAC 0.00004.
gnomAD v4.1: 26 of 1,613,826 alleles (0.0016%); highest among the groups gnomAD compares: South Asian, 0.023%; no homozygotes.

Submissions (3):

Labcorp Genetics (formerly Invitae), Labcorp
Classification: Uncertain significance. Last evaluated: 2026-01-19. Review status: criteria provided, single submitter. Criteria: Invitae Variant Classification Sherloc (09022015). Collection method: clinical testing. Allele origin: germline.
Comment: This sequence change replaces arginine, which is basic and polar, with glutamine, which is neutral and polar, at codon 351 of the DHX38 protein (p.Arg351Gln). This variant is present in population databases (rs779464648, gnomAD 0.02%). This variant has not been reported in the literature in individuals affected with DHX38-related conditions. ClinVar contains an entry for this variant (Variation ID: 963598). Invitae Evidence Modeling of protein sequence and biophysical properties (such as structural, functional, and spatial information, amino acid conservation, physicochemical variation, residue mobility, and thermodynamic stability) indicates that this missense variant is not expected to disrupt DHX38 protein function with a negative predictive value of 80%. In summary, the available evidence is currently insufficient to determine the role of this variant in disease. Therefore, it has been classified as a Variant of Uncertain Significance.

Ambry Genetics
Classification: Uncertain significance. Last evaluated: 2025-11-26. Review status: criteria provided, single submitter. Criteria: Ambry Variant Classification Scheme 2023. Collection method: clinical testing. Allele origin: germline.

Blueprint Genetics
Classification: Uncertain significance. Last evaluated: 2023-11-23. Review status: criteria provided, single submitter. Criteria: ACMG Guidelines, 2015. Collection method: clinical testing. Allele origin: germline.

NM_014003.4(DHX38):c.1052G>A (p.Arg351Gln)

Gene: DHX38 (DEAH-box helicase 38; plus strand). Cytogenetic location: 16q22.2.
Variant type: single nucleotide variant.
Coding change: c.1052G>A on transcript NM_014003.4 (MANE Select); coding-DNA position 1052, G replaced by A.
Protein change: p.Arg351Gln; replaces arginine 351 with glutamine.
Molecular consequence: missense variant.
Genome position (GRCh38, 1-based): chr16:72,099,823, G>A. VCF-style: chr16-72099823-G-A. GRCh37 (hg19) VCF-style: chr16-72133722-G-A.
Other names: short protein forms R351Q.
Identifiers: ClinVar variation 963598 (VCV000963598.10), dbSNP rs779464648, ClinGen allele CA8160196.
Genomic context (GRCh38, chr16:72,099,823, plus strand): 5'-AGGGCTATGACGAGTTCCACAACCCGCTGGCCTACTCCTCCGAGGACTACGTGAGGAGGC[G>A]GGAGCAGCACCTGCATAAACAGAAGCAGAAGCGCATTTCAGCTCAGCGGAGACAGATCAA-3'
Protein context (NP_054722.2, residues 341-361): AYSSEDYVRR[Arg351Gln]EQHLHKQKQK